The following is an entry in ClinVar:

NM_017662.5(TRPM6):c.5424T>C (p.Pro1808=)

Gene: TRPM6 (transient receptor potential cation channel subfamily M member 6; minus strand). Cytogenetic location: 9q21.13.
Variant type: single nucleotide variant.
Coding change: c.5424T>C on transcript NM_017662.5 (MANE Select); coding-DNA position 5424, T replaced by C.
Protein change: p.Pro1808=; no amino-acid change (proline 1808 retained).
Molecular consequence: synonymous variant.
Genome position (GRCh38, 1-based): chr9:74,739,786, A>G on the plus strand (T>C on the coding strand, the complement: TRPM6 is on the minus strand). VCF-style: chr9-74739786-A-G. GRCh37 (hg19) VCF-style: chr9-77354702-A-G.
Other names: c.5409T>C, p.Pro1803= (NM_001177310.2, NM_001177311.2).
Identifiers: ClinVar variation 792671 (VCV000792671.11), dbSNP rs140812450, ClinGen allele CA5083812.

ClinVar aggregate classification (germline): Benign/Likely benign. Review status: criteria provided, multiple submitters, no conflicts (2 of 4 stars). 3 submissions from 3 submitters: Benign (1); Likely benign (1). 1 of the submissions does not count toward it. Last evaluated 2025-11-28.

Conditions:
TRPM6-related disorder. Also called: TRPM6-related condition.
Intestinal hypomagnesemia 1. Also called: HYPOMAGNESEMIA, INTESTINAL, WITH SECONDARY HYPOCALCEMIA; HYPOMAGNESEMIC TETANY. Identifiers: Orphanet 30924, MedGen C1865974, MONDO:0011176, OMIM 602014.

Allele frequency attached by ClinVar (database versions not stated): gnomAD exomes 0.00005 and 0.00014; ExAC 0.00017; 1000 Genomes Project 0.00060; ESP Exome Variant Server 0.00062; gnomAD 0.00063 and 0.00068; TOPMed 0.00071; 1000 Genomes Project 30x 0.00078.
gnomAD v4.1: 168 of 1,614,144 alleles (0.01%); highest among the groups gnomAD compares: African/African-American, 0.21%; no homozygotes.

Submissions (3):

Labcorp Genetics (formerly Invitae), Labcorp
Classification: Benign. Last evaluated: 2025-11-28. Review status: criteria provided, single submitter. Criteria: Invitae Variant Classification Sherloc (09022015). Collection method: clinical testing. Allele origin: germline.

Fulgent Genetics
Classification: Likely benign for Intestinal hypomagnesemia 1. Last evaluated: 2022-01-25. Review status: criteria provided, single submitter. Criteria: ACMG Guidelines, 2015. Collection method: clinical testing. Allele origin: unknown.

PreventionGenetics, part of Exact Sciences
Classification: Likely benign for TRPM6-related condition. Last evaluated: 2019-07-23. Review status: no assertion criteria provided. Collection method: clinical testing. Allele origin: germline. Not counted in ClinVar's aggregate classification.
Comment: This variant is classified as likely benign based on ACMG/AMP sequence variant interpretation guidelines (Richards et al. 2015 PMID: 25741868, with internal and published modifications).